The following is an entry in ClinVar:

ClinVar aggregate classification (germline): Benign. Review status: criteria provided, single submitter (1 of 4 stars). 2 submissions from 2 submitters: Benign (1). 1 of the submissions does not count toward it. Last evaluated 2025-07-01.

Conditions:
ITSN2-related disorder. Also called: ITSN2-related condition.

Allele frequency attached by ClinVar (database versions not stated): gnomAD exomes 0.00018; ExAC 0.00060; gnomAD 0.00169; TOPMed 0.00181; 1000 Genomes Project 30x 0.00250; 1000 Genomes Project 0.00260; ESP Exome Variant Server 0.00315.
gnomAD v4.1: 522 of 1,612,728 alleles (0.032%); highest among the groups gnomAD compares: African/African-American, 0.61%; 3 homozygotes.

Submissions (2):

Labcorp Genetics (formerly Invitae), Labcorp
Classification: Benign. Last evaluated: 2025-07-01. Review status: criteria provided, single submitter. Criteria: Invitae Variant Classification Sherloc (09022015). Collection method: clinical testing. Allele origin: germline.

PreventionGenetics, part of Exact Sciences
Classification: Likely benign for ITSN2-related condition. Last evaluated: 2020-01-20. Review status: no assertion criteria provided. Collection method: clinical testing. Allele origin: germline. Not counted in ClinVar's aggregate classification.
Comment: This variant is classified as likely benign based on ACMG/AMP sequence variant interpretation guidelines (Richards et al. 2015 PMID: 25741868, with internal and published modifications).

NM_006277.3(ITSN2):c.312G>A (p.Lys104=)

Gene: ITSN2 (intersectin 2; minus strand). Cytogenetic location: 2p23.3.
Variant type: single nucleotide variant.
Coding change: c.312G>A on transcript NM_006277.3 (MANE Select); coding-DNA position 312, G replaced by A.
Protein change: p.Lys104=; no amino-acid change (lysine 104 retained).
Molecular consequence: synonymous variant.
Genome position (GRCh38, 1-based): chr2:24,312,252, C>T on the plus strand (G>A on the coding strand, the complement: ITSN2 is on the minus strand). VCF-style: chr2-24312252-C-T. GRCh37 (hg19) VCF-style: chr2-24535121-C-T.
Other names: c.270G>A, p.Lys90= (NM_001348181.2, NM_001348184.2); c.312G>A, p.Lys104= (NM_001348182.2, NM_001348183.2, NM_001348185.2 and 3 more transcripts); c.312G>A (NM_006277.2).
Identifiers: ClinVar variation 2056086 (VCV002056086.6), dbSNP rs79060892, ClinGen allele CA1551811.